The following is an entry in ClinVar:

NM_004706.4(ARHGEF1):c.-20+1188C>T

Gene: ARHGEF1 (Rho guanine nucleotide exchange factor 1; plus strand). Cytogenetic location: 19q13.2.
Variant type: single nucleotide variant.
Coding change: c.-20+1188C>T on transcript NM_004706.4 (MANE Select); 1188 bases into the intron after 20 bases upstream of the start codon, C replaced by T.
Molecular consequence: intron variant. On other transcripts: missense variant (1).
Genome position (GRCh38, 1-based): chr19:41,884,477, C>T. VCF-style: chr19-41884477-C-T. GRCh37 (hg19) VCF-style: chr19-42388544-C-T.
Other names: c.10C>T, p.Leu4Phe (NM_199002.2); c.-20+1188C>T (NM_198977.2); short protein forms L4F.
Identifiers: ClinVar variation 1367771 (VCV001367771.6), dbSNP rs1555844905, ClinGen allele CA406040004.
Genomic context (GRCh38, chr19:41,884,477, plus strand): 5'-GTGGGGAGAGTGCGGAGCCCGAGCGCGGAGGCTTCGGTTCCGGTGGCGGCGATGGCTTCT[C>T]TTTCCACCTGGAGCAGGTGAGGGACGCGGTCCCCAGCGGGTGTCAGACCCTGACTCTGCA-3'

ClinVar aggregate classification (germline): Uncertain significance (1 of 4 stars; one submission).

Allele frequency attached by ClinVar (database versions not stated): TOPMed 0.00001; gnomAD exomes 0.00002.
gnomAD v4.1: 19 of 1,607,716 alleles (0.0012%); highest among the groups gnomAD compares: Middle Eastern, 0.017%; no homozygotes.

Submission:

Labcorp Genetics (formerly Invitae), Labcorp
Classification: Uncertain significance. Last evaluated: 2023-09-30. Review status: criteria provided, single submitter. Criteria: Invitae Variant Classification Sherloc (09022015). Collection method: clinical testing. Allele origin: germline.
Comment: In summary, the available evidence is currently insufficient to determine the role of this variant in disease. Therefore, it has been classified as a Variant of Uncertain Significance. An algorithm developed to predict the effect of missense changes on protein structure and function (PolyPhen-2) suggests that this variant is likely to be tolerated. ClinVar contains an entry for this variant (Variation ID: 1367771). This variant has not been reported in the literature in individuals affected with ARHGEF1-related conditions. This variant is present in population databases (no rsID available, gnomAD 0.01%). This sequence change replaces leucine, which is neutral and non-polar, with phenylalanine, which is neutral and non-polar, at codon 4 of the ARHGEF1 protein (p.Leu4Phe).